The following is an entry in ClinVar:

NM_020975.6(RET):c.2754G>A (p.Met918Ile)

Gene: RET (ret proto-oncogene; plus strand). Cytogenetic location: 10q11.21.
Variant type: single nucleotide variant.
Coding change: c.2754G>A on transcript NM_020975.6 (MANE Select); coding-DNA position 2754, G replaced by A.
Protein change: p.Met918Ile; replaces methionine 918 with isoleucine.
Molecular consequence: missense variant.
Genome position (GRCh38, 1-based): chr10:43,121,969, G>A. VCF-style: chr10-43121969-G-A. GRCh37 (hg19) VCF-style: chr10-43617417-G-A.
Other names: c.2754G>A, p.Met918Ile (NM_000323.2, NM_001406743.1, NM_001406744.1 and 4 more transcripts); c.1992G>A, p.Met664Ile (NM_001355216.2); c.2625G>A, p.Met875Ile (NM_001406761.1, NM_001406762.1, NM_001406764.1); c.2619G>A, p.Met873Ile (NM_001406763.1, NM_001406765.1); c.2466G>A, p.Met822Ile (NM_001406766.1, NM_001406767.1, NM_001406770.1); c.2490G>A, p.Met830Ile (NM_001406768.1); c.2358G>A, p.Met786Ile (NM_001406769.1, NM_001406772.1); c.2316G>A, p.Met772Ile (NM_001406771.1, NM_001406773.1); and 10 more; short protein forms M918I, M664I, M743I, M579I, M588I, M619I, M435I, M576I.
Identifiers: ClinVar variation 1431378 (VCV001431378.9), dbSNP rs753208054, ClinGen allele CA040830.

ClinVar aggregate classification (germline): Uncertain significance. Review status: criteria provided, multiple submitters, no conflicts (2 of 4 stars). 3 submissions from 3 submitters: Uncertain significance (3). Last evaluated 2026-01-06.

Conditions:
Hereditary cancer-predisposing syndrome. Also called: Hereditary Cancer Syndrome; Hereditary neoplastic syndrome; Neoplastic Syndromes, Hereditary; Tumor predisposition. Identifiers: Orphanet 140162, MedGen C0027672, MeSH D009386, MONDO:0015356.
Multiple endocrine neoplasia, type 2 (MEN2). Identifiers: Orphanet 653, MedGen C4048306, MONDO:0019003. Disease mechanism: gain of function.

Allele frequency attached by ClinVar (database versions not stated): gnomAD exomes below 0.00001 and 0.00001; TOPMed below 0.00001; ExAC 0.00002.
gnomAD v4.1: 2 of 1,613,338 alleles (0.00012%); highest among the groups gnomAD compares: South Asian, 0.0022%; no homozygotes.

Submissions (3):

Labcorp Genetics (formerly Invitae), Labcorp
Classification: Uncertain significance for Multiple endocrine neoplasia, type 2. Last evaluated: 2026-01-06. Review status: criteria provided, single submitter. Criteria: Invitae Variant Classification Sherloc (09022015). Collection method: clinical testing. Allele origin: germline.
Comment: This sequence change replaces methionine, which is neutral and non-polar, with isoleucine, which is neutral and non-polar, at codon 918 of the RET protein (p.Met918Ile). This variant is present in population databases (rs753208054, gnomAD 0.003%). This variant has not been reported in the literature in individuals affected with RET-related conditions. ClinVar contains an entry for this variant (Variation ID: 1431378). An algorithm developed to predict the effect of missense changes on protein structure and function (PolyPhen-2) suggests that this variant is likely to be disruptive. This variant disrupts the p.Met918 amino acid residue in RET. Other variant(s) that disrupt this residue have been determined to be pathogenic (PMID: 7906417, 8570194, 8918855, 9242375, 16715139, 20516206, 21810974, 27539324). This suggests that this residue is clinically significant, and that variants that disrupt this residue are likely to be disease-causing. In summary, the available evidence is currently insufficient to determine the role of this variant in disease. Therefore, it has been classified as a Variant of Uncertain Significance.

Ambry Genetics
Classification: Uncertain significance for Hereditary cancer-predisposing syndrome. Last evaluated: 2025-06-18. Review status: criteria provided, single submitter. Criteria: Ambry Variant Classification Scheme 2023. Collection method: clinical testing. Allele origin: germline.
Comment: The p.M918I variant (also known as c.2754G>A), located in coding exon 16 of the RET gene, results from a G to A substitution at nucleotide position 2754. The methionine at codon 918 is replaced by isoleucine, an amino acid with highly similar properties. This amino acid position is highly conserved in available vertebrate species. In addition, this alteration is predicted to be deleterious by in silico analysis. Based on the available evidence, the clinical significance of this variant remains unclear.

All of Us Research Program, National Institutes of Health
Classification: Uncertain significance for Multiple endocrine neoplasia, type 2. Last evaluated: 2023-06-26. Review status: criteria provided, single submitter. Criteria: ACMG Guidelines, 2015. Collection method: clinical testing. Allele origin: germline. Inheritance: Autosomal dominant inheritance. Observed: 1 variant allele, 1 heterozygote.
Comment: This missense variant replaces an invariant methionine with isoleucine at codon 918 in the tyrosine kinase catalytic domain of the RET protein (PMID: 7906417). Computational prediction suggests that this variant may have deleterious impact on protein structure and function (internally defined REVEL score threshold >= 0.7, PMID: 27666373). To our knowledge, functional studies have not been reported for this variant. This variant has not been reported in individuals affected with RET-related disorders in the literature. Two other missense variants, p.Met918Thr and p.Met918Val, have been reported as disease-causing in ClinVar (variation ID: 13919, 38614) based on both clinical and functional evidence for pathogenicity. Notably, the p.Met918Val variant which is more similar to the variant in question, p.Met918Ile, has been proposed to confer a more moderate disease risk as compared to more severely disrupted variants (PMID: 21810974; ClinVar SCV002752133.2). This variant has been identified in 2/251476 chromosomes in the general population by the Genome Aggregation Database (gnomAD). The available evidence is insufficient to determine the role of this variant in disease conclusively. Therefore, this variant is classified as a Variant of Uncertain Significance.

This study involves interpretation of variants in research participants for the purpose of population health screening. Participant phenotype was not available at the time of variant classification. Additional details can be found in publication PMID: 35346344, PMCID: PMC8962531

Literature cited by the submitters: PubMed 7906417 (cited by Labcorp Genetics (formerly Invitae), Labcorp and All of Us Research Program, National Institutes of Health); PubMed 8570194 (cited by Labcorp Genetics (formerly Invitae), Labcorp); PubMed 8918855 (cited by Labcorp Genetics (formerly Invitae), Labcorp); PubMed 9242375 (cited by Labcorp Genetics (formerly Invitae), Labcorp); PubMed 16715139 (cited by Labcorp Genetics (formerly Invitae), Labcorp); PubMed 20516206 (cited by Labcorp Genetics (formerly Invitae), Labcorp); PubMed 21810974 (cited by Labcorp Genetics (formerly Invitae), Labcorp and All of Us Research Program, National Institutes of Health); PubMed 27539324 (cited by Labcorp Genetics (formerly Invitae), Labcorp).